The following is an entry in ClinVar:

ClinVar aggregate classification (germline): Uncertain significance (1 of 4 stars; one submission).

Allele frequency attached by ClinVar (database versions not stated): gnomAD exomes below 0.00001; TOPMed 0.00001.
gnomAD v4.1: 7 of 1,614,168 alleles (0.00043%); highest among the groups gnomAD compares: Admixed American, 0.0083%; no homozygotes.

Submission:

Labcorp Genetics (formerly Invitae), Labcorp
Classification: Uncertain significance. Last evaluated: 2024-12-12. Review status: criteria provided, single submitter. Criteria: Invitae Variant Classification Sherloc (09022015). Collection method: clinical testing. Allele origin: germline.
Comment: This sequence change replaces glutamic acid, which is acidic and polar, with lysine, which is basic and polar, at codon 26 of the NRL protein (p.Glu26Lys). This variant is present in population databases (no rsID available, gnomAD 0.01%). This variant has not been reported in the literature in individuals affected with NRL-related conditions. ClinVar contains an entry for this variant (Variation ID: 1930648). An algorithm developed to predict the effect of missense changes on protein structure and function (PolyPhen-2) suggests that this variant is likely to be disruptive. In summary, the available evidence is currently insufficient to determine the role of this variant in disease. Therefore, it has been classified as a Variant of Uncertain Significance.

NM_001354768.3(NRL):c.76G>A (p.Glu26Lys)

Gene: NRL (neural retina leucine zipper; minus strand). Cytogenetic location: 14q11.2.
Variant type: single nucleotide variant.
Coding change: c.76G>A on transcript NM_001354768.3 (MANE Select); coding-DNA position 76, G replaced by A.
Protein change: p.Glu26Lys; replaces glutamic acid 26 with lysine.
Molecular consequence: missense variant. On other transcripts: intron variant (1).
Genome position (GRCh38, 1-based): chr14:24,082,773, C>T on the plus strand (G>A on the coding strand, the complement: NRL is on the minus strand). VCF-style: chr14-24082773-C-T. GRCh37 (hg19) VCF-style: chr14-24551982-C-T.
Other names: c.76G>A, p.Glu26Lys (NM_001354769.1, NM_006177.5); c.66+10G>A (NM_001354770.2); short protein forms E26K.
Identifiers: ClinVar variation 1930648 (VCV001930648.5), dbSNP rs947632887, ClinGen allele CA257868848.
Genomic context (GRCh38, chr14:24,082,773, plus strand): 5'-AGCTGTAAGGTGTGGAGCCCAGTGAGGCTGTAGGGGGGCCAGGTCGGCCCTCAGAGGGTT[C>T]CCGCTTTACCTCAAACTTCATCAAGTCAAAGTCATTGACATATTCCATGGCCAGGGGGCT-3'
Protein context (NP_001341697.1, residues 16-36): FDLMKFEVKR[Glu26Lys]PSEGRPGPPT